The following is an entry in ClinVar:

ClinVar aggregate classification (germline): Uncertain significance. Review status: criteria provided, multiple submitters, no conflicts (2 of 4 stars). 2 submissions from 2 submitters: Uncertain significance (2). Last evaluated 2024-04-29.

Conditions:
Cardiovascular phenotype. Identifiers: MedGen CN230736.
Alstrom syndrome (ALMS). Identifiers: Orphanet 64, MedGen C0268425, MONDO:0008763, OMIM 203800.

Allele frequency attached by ClinVar (database versions not stated): gnomAD exomes below 0.00001 and 0.00001; TOPMed 0.00003; gnomAD 0.00004.
gnomAD v4.1: 9 of 1,614,108 alleles (0.00056%); highest among the groups gnomAD compares: African/African-American, 0.012%; no homozygotes.

Submissions (2):

Labcorp Genetics (formerly Invitae), Labcorp
Classification: Uncertain significance for Alstrom syndrome. Last evaluated: 2024-04-29. Review status: criteria provided, single submitter. Criteria: Invitae Variant Classification Sherloc (09022015). Collection method: clinical testing. Allele origin: germline.
Comment: This sequence change replaces tryptophan, which is neutral and slightly polar, with glycine, which is neutral and non-polar, at codon 2680 of the ALMS1 protein (p.Trp2680Gly). This variant is present in population databases (no rsID available, gnomAD 0.01%). This variant has not been reported in the literature in individuals affected with ALMS1-related conditions. ClinVar contains an entry for this variant (Variation ID: 1383064). Experimental studies and prediction algorithms are not available or were not evaluated, and the functional significance of this variant is currently unknown. In summary, the available evidence is currently insufficient to determine the role of this variant in disease. Therefore, it has been classified as a Variant of Uncertain Significance.

Ambry Genetics
Classification: Uncertain significance for Cardiovascular phenotype. Last evaluated: 2023-05-30. Review status: criteria provided, single submitter. Criteria: Ambry Variant Classification Scheme 2023. Collection method: clinical testing. Allele origin: germline.
Comment: The p.W2680G variant (also known as c.8038T>G), located in coding exon 10 of the ALMS1 gene, results from a T to G substitution at nucleotide position 8038. The tryptophan at codon 2680 is replaced by glycine, an amino acid with highly dissimilar properties. This amino acid position is well conserved in available vertebrate species. In addition, the in silico prediction for this alteration is inconclusive. Since supporting evidence is limited at this time, the clinical significance of this alteration remains unclear.

NM_001378454.1(ALMS1):c.8035T>G (p.Trp2679Gly)

Gene: ALMS1 (ALMS1 centrosome and basal body associated protein; plus strand). Cytogenetic location: 2p13.1.
Variant type: single nucleotide variant.
Coding change: c.8035T>G on transcript NM_001378454.1 (MANE Select); coding-DNA position 8035, T replaced by G.
Protein change: p.Trp2679Gly; replaces tryptophan 2679 with glycine.
Molecular consequence: missense variant.
Genome position (GRCh38, 1-based): chr2:73,489,994, T>G. VCF-style: chr2-73489994-T-G. GRCh37 (hg19) VCF-style: chr2-73717121-T-G.
Other names: c.8038T>G, p.Trp2680Gly (NM_015120.4); short protein forms W2680G, W2679G.
Identifiers: ClinVar variation 1383064 (VCV001383064.7), dbSNP rs1403694361, ClinGen allele CA347267057.